The following is an entry in ClinVar:

ClinVar aggregate classification (germline): Uncertain significance. Review status: criteria provided, multiple submitters, no conflicts (2 of 4 stars). 3 submissions from 3 submitters: Uncertain significance (3). Last evaluated 2024-03-06.

Conditions:
Familial hypercholesterolemia. Also called: Familial hypercholesterolemias; Familial hypercholesterolaemia. Identifiers: MedGen C0020445, MONDO:0005439.
Hypercholesterolemia, autosomal dominant, 3 (FHCL3). Also called: Familial hypercholesterolemia 3; Familial Hypercholesterolemia, Autosomal Dominant, 3; PCSK9-Related Familial Hypercholesterolemia, Autosomal Dominant. Identifiers: MedGen C1863551, MONDO:0011369, OMIM 603776.

Allele frequency attached by ClinVar (database versions not stated): TOPMed below 0.00001; gnomAD 0.00001; gnomAD exomes 0.00001.
gnomAD v4.1: 4 of 1,613,550 alleles (0.00025%); highest among the groups gnomAD compares: Non-Finnish European, 0.00034%; no homozygotes.

Submissions (3):

Color Diagnostics, LLC DBA Color Health
Classification: Uncertain significance for Familial hypercholesterolemia. Last evaluated: 2024-03-06. Review status: criteria provided, single submitter. Criteria: ACMG Guidelines, 2015. Collection method: clinical testing. Allele origin: germline.
Comment: This missense variant replaces asparagine with aspartic acid at codon 425 of the PCSK9 protein. Computational prediction suggests that this variant may not impact protein structure and function (internally defined REVEL score threshold <= 0.5, PMID: 27666373). To our knowledge, functional studies have not been reported for this variant. This variant has not been reported in individuals affected with PCSK9-related disorders in the literature. This variant has not been identified in the general population by the Genome Aggregation Database (gnomAD). The available evidence is insufficient to determine the role of this variant in disease conclusively. Therefore, this variant is classified as a Variant of Uncertain Significance.

All of Us Research Program, National Institutes of Health
Classification: Uncertain significance for Hypercholesterolemia, autosomal dominant, 3. Last evaluated: 2023-05-16. Review status: criteria provided, single submitter. Criteria: ACMG Guidelines, 2015. Collection method: clinical testing. Allele origin: germline. Inheritance: Autosomal dominant inheritance. Observed: 1 variant allele, 1 heterozygote.
Comment: Variant of Uncertain Significance due to insufficient evidence: This missense variant is located in the catalytic peptidase domain of the PCSK9 protein. Computational prediction tools and conservation analyses suggest that this variant may not impact the protein function. Computational splicing tools suggest that this variant may not impact RNA splicing. To our knowledge, functional assays have not been performed for this variant nor has this variant been reported in individuals affected with familial hypercholesterolemia in the literature. This variant is rare in the general population and has been identified in 0/277264 chromosomes by the Genome Aggregation Database (gnomAD). Available evidence is insufficient to determine the pathogenicity of this variant conclusively.

This study involves interpretation of variants in research participants for the purpose of population health screening. Participant phenotype was not available at the time of variant classification. Additional details can be found in publication PMID: 35346344, PMCID: PMC8962531

Labcorp Genetics (formerly Invitae), Labcorp
Classification: Uncertain significance for Hypercholesterolemia, autosomal dominant, 3. Last evaluated: 2021-08-28. Review status: criteria provided, single submitter. Criteria: Invitae Variant Classification Sherloc (09022015). Collection method: clinical testing. Allele origin: germline.
Comment: This sequence change replaces asparagine with aspartic acid at codon 425 of the PCSK9 protein (p.Asn425Asp). The asparagine residue is moderately conserved and there is a small physicochemical difference between asparagine and aspartic acid. This variant is not present in population databases (ExAC no frequency). This variant has not been reported in the literature in individuals affected with PCSK9-related conditions. ClinVar contains an entry for this variant (Variation ID: 923991). Advanced modeling of protein sequence and biophysical properties (such as structural, functional, and spatial information, amino acid conservation, physicochemical variation, residue mobility, and thermodynamic stability) performed at Invitae indicates that this missense variant is not expected to disrupt PCSK9 protein function. In summary, the available evidence is currently insufficient to determine the role of this variant in disease. Therefore, it has been classified as a Variant of Uncertain Significance.

NM_174936.4(PCSK9):c.1273A>G (p.Asn425Asp)

Gene: PCSK9 (proprotein convertase subtilisin/kexin type 9; plus strand). Cytogenetic location: 1p32.3.
Variant type: single nucleotide variant.
Coding change: c.1273A>G on transcript NM_174936.4 (MANE Select); coding-DNA position 1273, A replaced by G.
Protein change: p.Asn425Asp; replaces asparagine 425 with aspartic acid.
Molecular consequence: missense variant.
Genome position (GRCh38, 1-based): chr1:55,058,128, A>G. VCF-style: chr1-55058128-A-G. GRCh37 (hg19) VCF-style: chr1-55523801-A-G.
Other names: c.1396A>G, p.Asn466Asp (NM_001407240.1); c.1273A>G, p.Asn425Asp (NM_001407241.1); c.1276A>G, p.Asn426Asp (NM_001407242.1); c.1216A>G, p.Asn406Asp (NM_001407243.1); c.1081A>G, p.Asn361Asp (NM_001407245.1); c.898A>G, p.Asn300Asp (NM_001407246.1); short protein forms N425D, N300D, N406D, N466D, N361D, N426D.
Identifiers: ClinVar variation 923991 (VCV000923991.12), dbSNP rs1644730027, ClinGen allele CA340477299.